The following is an entry in ClinVar:

NM_001330360.2(POLA1):c.3956T>C (p.Ile1319Thr)

Gene: POLA1 (DNA polymerase alpha 1, catalytic subunit; plus strand). Cytogenetic location: Xp22.11.
Variant type: single nucleotide variant.
Coding change: c.3956T>C on transcript NM_001330360.2 (MANE Select); coding-DNA position 3956, T replaced by C.
Protein change: p.Ile1319Thr; replaces isoleucine 1319 with threonine.
Molecular consequence: missense variant. On other transcripts: non-coding transcript variant (2).
Genome position (GRCh38, 1-based): chrX:24,843,586, T>C. VCF-style: chrX-24843586-T-C. GRCh37 (hg19) VCF-style: chrX-24861703-T-C.
Other names: c.3881T>C, p.Ile1294Thr (NM_001378303.1); c.3956T>C, p.Ile1319Thr (NM_001440806.1); c.3938T>C, p.Ile1313Thr (NM_016937.4); short protein forms I1313T, I1294T, I1319T.
Identifiers: ClinVar variation 4773338 (VCV004773338.1).

ClinVar aggregate classification (germline): Uncertain significance (1 of 4 stars; one submission).

gnomAD v4.1: 2 of 1,188,776 alleles (0.00017%); highest among the groups gnomAD compares: Non-Finnish European, 0.00023%; no homozygotes.

Submission:

Labcorp Genetics (formerly Invitae), Labcorp
Classification: Uncertain significance. Last evaluated: 2025-10-10. Review status: criteria provided, single submitter. Criteria: Invitae Variant Classification Sherloc (09022015). Collection method: clinical testing. Allele origin: germline.
Comment: This sequence change replaces isoleucine, which is neutral and non-polar, with threonine, which is neutral and polar, at codon 1313 of the POLA1 protein (p.Ile1313Thr). The frequency data for this variant in the population databases is considered unreliable, as metrics indicate poor data quality at this position in the gnomAD database. This variant has not been reported in the literature in individuals affected with POLA1-related conditions. Invitae Evidence Modeling of protein sequence and biophysical properties (such as structural, functional, and spatial information, amino acid conservation, physicochemical variation, residue mobility, and thermodynamic stability) indicates that this missense variant is not expected to disrupt POLA1 protein function with a negative predictive value of 80%. In summary, the available evidence is currently insufficient to determine the role of this variant in disease. Therefore, it has been classified as a Variant of Uncertain Significance.